The following is an entry in ClinVar:

ClinVar aggregate classification (germline): Uncertain significance (1 of 4 stars; one submission).

Conditions:
Hypertrophic cardiomyopathy 1 (CMH1). Also called: Familial hypertrophic cardiomyopathy 1; MYH7-Related Familial Hypertrophic Cardiomyopathy. Identifiers: MedGen C3495498, MONDO:0008647, OMIM 192600.

Allele frequency attached by ClinVar (database versions not stated): gnomAD exomes below 0.00001.
gnomAD v4.1: 3 of 1,612,168 alleles (0.00019%); highest among the groups gnomAD compares: East Asian, 0.0067%; no homozygotes.

Submission:

Labcorp Genetics (formerly Invitae), Labcorp
Classification: Uncertain significance for Hypertrophic cardiomyopathy 1. Last evaluated: 2023-08-16. Review status: criteria provided, single submitter. Criteria: Invitae Variant Classification Sherloc (09022015). Collection method: clinical testing. Allele origin: germline.
Comment: This sequence change falls in intron 4 of the MYLK2 gene. It does not directly change the encoded amino acid sequence of the MYLK2 protein. It affects a nucleotide within the consensus splice site. This variant is not present in population databases (gnomAD no frequency). This variant has not been reported in the literature in individuals affected with MYLK2-related conditions. Variants that disrupt the consensus splice site are a relatively common cause of aberrant splicing (PMID: 17576681, 9536098). Algorithms developed to predict the effect of sequence changes on RNA splicing suggest that this variant is not likely to affect RNA splicing. In summary, the available evidence is currently insufficient to determine the role of this variant in disease. Therefore, it has been classified as a Variant of Uncertain Significance.

Literature cited by the submitters: PubMed 17576681; PubMed 9536098.

NM_033118.4(MYLK2):c.773-3C>T

Gene: MYLK2 (myosin light chain kinase 2; plus strand). Cytogenetic location: 20q11.21.
Variant type: single nucleotide variant.
Coding change: c.773-3C>T on transcript NM_033118.4 (MANE Select); 3 bases into the intron before coding-DNA position 773, C replaced by T.
Molecular consequence: intron variant.
Genome position (GRCh38, 1-based): chr20:31,823,474, C>T. VCF-style: chr20-31823474-C-T. GRCh37 (hg19) VCF-style: chr20-30411277-C-T.
Identifiers: ClinVar variation 2823016 (VCV002823016.3), dbSNP rs947189841, ClinGen allele CA313850546.